The following is an entry in ClinVar:

ClinVar aggregate classification (germline): Uncertain significance (1 of 4 stars; one submission).

Conditions:
Primary ciliary dyskinesia. Also called: Ciliary dyskinesia. Identifiers: Orphanet 244, MedGen C0008780, MONDO:0016575, HP:0012265.

Submission:

Labcorp Genetics (formerly Invitae), Labcorp
Classification: Uncertain significance for Primary ciliary dyskinesia. Last evaluated: 2021-09-29. Review status: criteria provided, single submitter. Criteria: Invitae Variant Classification Sherloc (09022015). Collection method: clinical testing. Allele origin: germline.
Comment: Algorithms developed to predict the effect of missense changes on protein structure and function are either unavailable or do not agree on the potential impact of this missense change (SIFT: "Tolerated"; PolyPhen-2: "Probably Damaging"; Align-GVGD: "Class C0"). This variant has not been reported in the literature in individuals affected with RSPH4A-related conditions. This variant is not present in population databases (ExAC no frequency). This sequence change replaces alanine with proline at codon 620 of the RSPH4A protein (p.Ala620Pro). The alanine residue is highly conserved and there is a small physicochemical difference between alanine and proline. In summary, the available evidence is currently insufficient to determine the role of this variant in disease. Therefore, it has been classified as a Variant of Uncertain Significance.

NM_001010892.3(RSPH4A):c.1858G>C (p.Ala620Pro)

Gene: RSPH4A (radial spoke head component 4A; plus strand). Cytogenetic location: 6q22.1.
Variant type: single nucleotide variant.
Coding change: c.1858G>C on transcript NM_001010892.3 (MANE Select); coding-DNA position 1858, G replaced by C.
Protein change: p.Ala620Pro; replaces alanine 620 with proline.
Molecular consequence: missense variant.
Genome position (GRCh38, 1-based): chr6:116,630,494, G>C. VCF-style: chr6-116630494-G-C. GRCh37 (hg19) VCF-style: chr6-116951657-G-C.
Other names: c.1722G>C, p.Met574Ile (NM_001161664.2); short protein forms M574I, A620P.
Identifiers: ClinVar variation 1370696 (VCV001370696.6), dbSNP rs1775776988, ClinGen allele CA365410138.
Genomic context (GRCh38, chr6:116,630,494, plus strand): 5'-GAGATTCAGAATATACCCCCCTGGACAACACGGTTATCCTCAAATCTCATTCCACAATAT[G>C]CTATTGCAGTCCTTCAATCCAACCTTTGGCCTGGAGCATATGCCTTCTCCAATGGCAAGT-3'
Protein context (NP_001010892.1, residues 610-630): RLSSNLIPQY[Ala620Pro]IAVLQSNLWP